The following is an entry in ClinVar:

ClinVar aggregate classification (germline): Uncertain significance (1 of 4 stars; one submission).

Conditions:
Congenital myasthenic syndrome 8. Also called: MYASTHENIC SYNDROME, CONGENITAL, DUE TO AGRIN DEFICIENCY; Myasthenic syndrome, congenital, 8, with pre- and postsynaptic defects. Identifiers: Orphanet 590, MedGen C3808739, MONDO:0014052, OMIM 615120.

Allele frequency attached by ClinVar (database versions not stated): TOPMed below 0.00001; gnomAD 0.00001.
gnomAD v4.1: 1 of 1,576,944 alleles (0.000063%); highest among the groups gnomAD compares: Non-Finnish European, 0.000086%; no homozygotes.

Submission:

Labcorp Genetics (formerly Invitae), Labcorp
Classification: Uncertain significance for Congenital myasthenic syndrome 8. Last evaluated: 2022-07-07. Review status: criteria provided, single submitter. Criteria: Invitae Variant Classification Sherloc (09022015). Collection method: clinical testing. Allele origin: germline.
Comment: In summary, the available evidence is currently insufficient to determine the role of this variant in disease. Therefore, it has been classified as a Variant of Uncertain Significance. Algorithms developed to predict the effect of missense changes on protein structure and function are either unavailable or do not agree on the potential impact of this missense change (SIFT: "Deleterious"; PolyPhen-2: "Benign"; Align-GVGD: "Class C0"). This variant has not been reported in the literature in individuals affected with AGRN-related conditions. This variant is not present in population databases (gnomAD no frequency). This sequence change replaces glutamic acid, which is acidic and polar, with aspartic acid, which is acidic and polar, at codon 1404 of the AGRN protein (p.Glu1404Asp).

NM_198576.4(AGRN):c.4212G>C (p.Glu1404Asp)

Gene: AGRN (agrin; plus strand). Cytogenetic location: 1p36.33.
Variant type: single nucleotide variant.
Coding change: c.4212G>C on transcript NM_198576.4 (MANE Select); coding-DNA position 4212, G replaced by C.
Protein change: p.Glu1404Asp; replaces glutamic acid 1404 with aspartic acid.
Molecular consequence: missense variant.
Genome position (GRCh38, 1-based): chr1:1,048,973, G>C. VCF-style: chr1-1048973-G-C. GRCh37 (hg19) VCF-style: chr1-984353-G-C.
Other names: c.4212G>C, p.Glu1404Asp (NM_001305275.2); c.3897G>C, p.Glu1299Asp (NM_001364727.2); short protein forms E1404D, E1299D.
Identifiers: ClinVar variation 2198089 (VCV002198089.4), dbSNP rs1206907335, ClinGen allele CA337776873.